The following is an entry in ClinVar:

ClinVar aggregate classification (germline): Uncertain significance (1 of 4 stars; one submission).

Conditions:
ABCC2-related disorder. Also called: ABCC2-related condition.

gnomAD v4.1: 13 of 1,614,120 alleles (0.00081%); highest among the groups gnomAD compares: Non-Finnish European, 0.001%; no homozygotes.

Submission:

PreventionGenetics, part of Exact Sciences
Classification: Uncertain significance for ABCC2-related condition. Last evaluated: 2026-06-07. Review status: criteria provided, single submitter. Criteria: ACMG Guidelines, 2015. Collection method: clinical testing. Allele origin: germline.
Comment: The ABCC2 c.4301G>T variant is predicted to result in the amino acid substitution p.Gly1434Val. To our knowledge, this variant has not been reported in the literature. This variant is reported in 0.00088% of alleles in individuals of European (Non-Finnish) descent in gnomAD. At this time, the clinical significance of this variant is uncertain due to the absence of conclusive functional and genetic evidence.

NM_000392.5(ABCC2):c.4301G>T (p.Gly1434Val)

Gene: ABCC2 (ATP binding cassette subfamily C member 2; plus strand). Cytogenetic location: 10q24.2.
Variant type: single nucleotide variant.
Coding change: c.4301G>T on transcript NM_000392.5 (MANE Select); coding-DNA position 4301, G replaced by T.
Protein change: p.Gly1434Val; replaces glycine 1434 with valine.
Molecular consequence: missense variant.
Genome position (GRCh38, 1-based): chr10:99,847,115, G>T. VCF-style: chr10-99847115-G-T. GRCh37 (hg19) VCF-style: chr10-101606872-G-T.
Other names: short protein forms G1434V.
Identifiers: ClinVar variation 4978782 (VCV004978782.1).